The following is an entry in ClinVar:

ClinVar aggregate classification (germline): Uncertain significance. Review status: criteria provided, multiple submitters, no conflicts (2 of 4 stars). 2 submissions from 2 submitters: Uncertain significance (2). Last evaluated 2025-01-21.

Conditions:
Inborn genetic diseases. Identifiers: MedGen C0950123, MeSH D030342.

Allele frequency attached by ClinVar (database versions not stated): TOPMed 0.00002; gnomAD 0.00003.
gnomAD v4.1: 57 of 1,610,464 alleles (0.0035%); highest among the groups gnomAD compares: East Asian, 0.011%; no homozygotes.

Submissions (2):

Ambry Genetics
Classification: Uncertain significance for Inborn genetic diseases. Last evaluated: 2025-01-21. Review status: criteria provided, single submitter. Criteria: Ambry Variant Classification Scheme 2023. Collection method: clinical testing. Allele origin: germline.

Labcorp Genetics (formerly Invitae), Labcorp
Classification: Uncertain significance. Last evaluated: 2021-06-17. Review status: criteria provided, single submitter. Criteria: Invitae Variant Classification Sherloc (09022015). Collection method: clinical testing. Allele origin: germline.
Comment: This sequence change replaces arginine with glutamine at codon 130 of the SEPT9 protein (p.Arg130Gln). The arginine residue is moderately conserved and there is a small physicochemical difference between arginine and glutamine. This variant is present in population databases (rs755551840, ExAC 0.002%). This variant has not been reported in the literature in individuals with SEPT9-related conditions. Algorithms developed to predict the effect of missense changes on protein structure and function are either unavailable or do not agree on the potential impact of this missense change (SIFT: "Deleterious"; PolyPhen-2: "Probably Damaging"; Align-GVGD: "Class C0"). Algorithms developed to predict the effect of sequence changes on RNA splicing suggest that this variant may create or strengthen a splice site, but this prediction has not been confirmed by published transcriptional studies. In summary, the available evidence is currently insufficient to determine the role of this variant in disease. Therefore, it has been classified as a Variant of Uncertain Significance.

NM_001113491.2(SEPTIN9):c.443G>A (p.Arg148Gln)

Gene: SEPTIN9 (septin 9; plus strand). Cytogenetic location: 17q25.3.
Variant type: single nucleotide variant.
Coding change: c.443G>A on transcript NM_001113491.2 (MANE Select); coding-DNA position 443, G replaced by A.
Protein change: p.Arg148Gln; replaces arginine 148 with glutamine.
Molecular consequence: missense variant. On other transcripts: 5 prime UTR variant (2).
Genome position (GRCh38, 1-based): chr17:77,402,425, G>A. VCF-style: chr17-77402425-G-A. GRCh37 (hg19) VCF-style: chr17-75398507-G-A.
Other names: c.-50G>A (NM_001113492.2, NM_001113494.1); c.422G>A, p.Arg141Gln (NM_001113493.2); c.386G>A, p.Arg129Gln (NM_001293695.2); c.389G>A, p.Arg130Gln (NM_006640.5); c.389G>A (NM_006640.4); short protein forms R129Q, R130Q, R141Q, R148Q.
Identifiers: ClinVar variation 1682605 (VCV001682605.8), dbSNP rs755551840, ClinGen allele CA8793212.